The following is an entry in ClinVar:

ClinVar aggregate classification (germline): Conflicting classifications of pathogenicity. Review status: criteria provided, conflicting classifications (1 of 4 stars). 3 submissions from 3 submitters: Uncertain significance (2); Likely benign (1). Last evaluated 2021-09-01.

Conditions:
Inborn genetic diseases. Identifiers: MedGen C0950123, MeSH D030342.
Cohen syndrome (COH1). Also called: PEPPER SYNDROME; Cutis verticis gyrata, retinitis pigmentosa, and sensorineural deafness. Identifiers: Orphanet 193, MedGen C0265223, MONDO:0008999, OMIM 216550.

Allele frequency attached by ClinVar (database versions not stated): gnomAD 0.00001; gnomAD exomes 0.00001; TOPMed 0.00001.
gnomAD v4.1: 11 of 1,613,748 alleles (0.00068%); highest among the groups gnomAD compares: African/African-American, 0.0013%; no homozygotes.

Submissions (3):

Labcorp Genetics (formerly Invitae), Labcorp
Classification: Uncertain significance for Cohen syndrome. Last evaluated: 2021-09-01. Review status: criteria provided, single submitter. Criteria: Invitae Variant Classification Sherloc (09022015). Collection method: clinical testing. Allele origin: germline.

Ambry Genetics
Classification: Likely benign for Inborn genetic diseases. Last evaluated: 2021-07-15. Review status: criteria provided, single submitter. Criteria: Ambry Variant Classification Scheme 2023. Collection method: clinical testing. Allele origin: germline.

Baylor Genetics
Classification: Uncertain significance for Cohen syndrome. Last evaluated: 2018-07-31. Review status: criteria provided, single submitter. Criteria: ACMG Guidelines, 2015. Collection method: clinical testing. Allele origin: maternal. Affected: yes.
Comment: This variant was determined to be of uncertain significance according to ACMG Guidelines, 2015 [PMID:25741868].

NM_152564.5(VPS13B):c.10795A>G (p.Ile3599Val)

Gene: VPS13B (vacuolar protein sorting 13 homolog B; plus strand). Cytogenetic location: 8q22.2.
Variant type: single nucleotide variant.
Coding change: c.10795A>G on transcript NM_152564.5 (MANE Select); coding-DNA position 10795, A replaced by G.
Protein change: p.Ile3599Val; replaces isoleucine 3599 with valine.
Molecular consequence: missense variant.
Genome position (GRCh38, 1-based): chr8:99,854,184, A>G. VCF-style: chr8-99854184-A-G. GRCh37 (hg19) VCF-style: chr8-100866412-A-G.
Other names: c.10870A>G, p.Ile3624Val (NM_017890.5); c.10870A>G (NM_017890.3); short protein forms I3624V, I3599V.
Identifiers: ClinVar variation 1033870 (VCV001033870.6), dbSNP rs1225418115, ClinGen allele CA371786108.